The following is an entry in ClinVar:

ClinVar aggregate classification (germline): Uncertain significance. Review status: criteria provided, multiple submitters, no conflicts (2 of 4 stars). 3 submissions from 3 submitters: Uncertain significance (3). Last evaluated 2025-10-28.

Conditions:
Hereditary breast ovarian cancer syndrome. Also called: Hereditary breast and/or ovarian cancer syndrome; Hereditary breast and ovarian cancer syndrome; Hereditary breast and ovarian cancer; Hereditary breast and ovarian cancer syndrome (HBOC); Breast and ovarian cancer; BRCA1- and BRCA2-Associated Hereditary Breast and Ovarian Cancer. Identifiers: Orphanet 145, MedGen C0677776, MeSH D061325, MONDO:0003582. Disease mechanism: loss of function.
Hereditary cancer-predisposing syndrome. Also called: Hereditary neoplastic syndrome; Neoplastic Syndromes, Hereditary; Tumor predisposition; Hereditary Cancer Syndrome. Identifiers: Orphanet 140162, MedGen C0027672, MeSH D009386, MONDO:0015356.

Allele frequency attached by ClinVar (database versions not stated): gnomAD exomes below 0.00001; gnomAD 0.00001; TOPMed 0.00001.
gnomAD v4.1: 2 of 1,613,878 alleles (0.00012%); highest among the groups gnomAD compares: African/African-American, 0.0013%; no homozygotes.

Submissions (3):

Color Diagnostics, LLC DBA Color Health
Classification: Uncertain significance for Hereditary cancer-predisposing syndrome. Last evaluated: 2025-10-28. Review status: criteria provided, single submitter. Criteria: ACMG Guidelines, 2015. Collection method: clinical testing. Allele origin: germline.
Comment: This missense variant replaces proline with serine at codon 3150 of the BRCA2 protein. Computational prediction suggests that this variant may not impact protein structure and function. Functional studies have reported that this variant does not impact BRCA2 in a rescue of growth and sensitivity assays to cisplatin and PARP inhibitor (PMID: 39779848) and inconclusive impact in a haploid cell proliferation assay (PMID: 39779857). To our knowledge, this variant has not been reported in individuals affected with BRCA2-related disorders in the literature. This variant has been identified in 2/1613878 chromosomes in the general population by the Genome Aggregation Database (gnomAD). The available evidence is insufficient to determine the role of this variant in disease conclusively. Therefore, this variant is classified as a Variant of Uncertain Significance.

Labcorp Genetics (formerly Invitae), Labcorp
Classification: Uncertain significance for Hereditary breast ovarian cancer syndrome. Last evaluated: 2025-07-20. Review status: criteria provided, single submitter. Criteria: Invitae Variant Classification Sherloc (09022015). Collection method: clinical testing. Allele origin: germline.
Comment: This sequence change replaces proline, which is neutral and non-polar, with serine, which is neutral and polar, at codon 3150 of the BRCA2 protein (p.Pro3150Ser). This variant is not present in population databases (gnomAD no frequency). This variant has not been reported in the literature in individuals affected with BRCA2-related conditions. ClinVar contains an entry for this variant (Variation ID: 941765). Invitae Evidence Modeling of protein sequence and biophysical properties (such as structural, functional, and spatial information, amino acid conservation, physicochemical variation, residue mobility, and thermodynamic stability) indicates that this missense variant is not expected to disrupt BRCA2 protein function with a negative predictive value of 95%. In summary, the available evidence is currently insufficient to determine the role of this variant in disease. Therefore, it has been classified as a Variant of Uncertain Significance.

Ambry Genetics
Classification: Uncertain significance for Hereditary cancer-predisposing syndrome. Last evaluated: 2025-03-18. Review status: criteria provided, single submitter. Criteria: Ambry Variant Classification Scheme 2023. Collection method: clinical testing. Allele origin: germline.
Comment: The p.P3150S variant (also known as c.9448C>T), located in coding exon 24 of the BRCA2 gene, results from a C to T substitution at nucleotide position 9448. The proline at codon 3150 is replaced by serine, an amino acid with similar properties. The results from two saturation genome editing-based studies, including a haploid cell-survival assay and a humanized mouse embryonic stem cell line assay of drug response and survival, are indeterminate for this nucleotide substitution (Huang H et al. Nature. 2025 Feb;638(8050):528-537; Sahu S et al. Nature. 2025 Feb;638(8050):538-545). This amino acid position is highly conserved in available vertebrate species. In addition, the in silico prediction for this alteration is inconclusive. Based on the available evidence, the clinical significance of this variant remains unclear.

Literature cited by the submitters: PubMed 39779848 (cited by Color Diagnostics, LLC DBA Color Health); PubMed 39779857 (cited by Color Diagnostics, LLC DBA Color Health).

NM_000059.4(BRCA2):c.9448C>T (p.Pro3150Ser)

Gene: BRCA2 (BRCA2 DNA repair associated; plus strand). Cytogenetic location: 13q13.1.
Variant type: single nucleotide variant.
Coding change: c.9448C>T on transcript NM_000059.4 (MANE Select); coding-DNA position 9448, C replaced by T.
Protein change: p.Pro3150Ser; replaces proline 3150 with serine.
Molecular consequence: missense variant.
Genome position (GRCh38, 1-based): chr13:32,394,880, C>T. VCF-style: chr13-32394880-C-T. GRCh37 (hg19) VCF-style: chr13-32969017-C-T.
Other names: short protein forms P3150S.
Identifiers: ClinVar variation 941765 (VCV000941765.13), dbSNP rs1481726746, ClinGen allele CA387761625.
Genomic context (GRCh38, chr13:32,394,880, plus strand): 5'-GAATCCAAATCAGGCCTTCTTACTTTATTTGCTGGAGATTTTTCTGTGTTTTCTGCTAGT[C>T]CAAAAGAGGGCCACTTTCAAGAGACATTCAACAAAATGAAAAATACTGTTGAGGTAAGGT-3'
Protein context (NP_000050.3, residues 3140-3160): AGDFSVFSAS[Pro3150Ser]KEGHFQETFN